The following is an entry in ClinVar:

NM_001540.5(HSPB1):c.178C>T (p.Pro60Ser)

Gene: HSPB1 (heat shock protein family B (small) member 1; plus strand). Cytogenetic location: 7q11.23.
Variant type: single nucleotide variant.
Coding change: c.178C>T on transcript NM_001540.5 (MANE Select); coding-DNA position 178, C replaced by T.
Protein change: p.Pro60Ser; replaces proline 60 with serine.
Molecular consequence: missense variant.
Genome position (GRCh38, 1-based): chr7:76,302,890, C>T. VCF-style: chr7-76302890-C-T. GRCh37 (hg19) VCF-style: chr7-75932207-C-T.
Other names: p.Pro60Ser; c.178C>T (LRG_248t1); short protein forms P60S.
Identifiers: ClinVar variation 239028 (VCV000239028.61), dbSNP rs61751217, ClinGen allele CA4306281.
Genomic context (GRCh38, chr7:76,302,890, plus strand): 5'-GAGGAGTGGTCGCAGTGGTTAGGCGGCAGCAGCTGGCCAGGCTACGTGCGCCCCCTGCCC[C>T]CCGCCGCCATCGAGAGCCCCGCAGTGGCCGCGCCCGCCTACAGCCGCGCGCTCAGCCGGC-3'
Protein context (NP_001531.1, residues 50-70): SWPGYVRPLP[Pro60Ser]AAIESPAVAA

ClinVar aggregate classification (germline): Benign/Likely benign. Review status: criteria provided, multiple submitters, no conflicts (2 of 4 stars). 15 submissions from 14 submitters: Benign (7); Likely benign (6). 2 of the submissions do not count toward it. Last evaluated 2026-09-01.

Conditions:
Charcot-Marie-Tooth disease. Also called: Charcot-Marie-Tooth Hereditary Neuropathy; Charcot-Marie-Tooth Neuropathy. Identifiers: Orphanet 166, MedGen C0007959, MONDO:0015626.
Inborn genetic diseases. Identifiers: MedGen C0950123, MeSH D030342.
Charcot-Marie-Tooth disease axonal type 2F (CMT2F). Also called: CHARCOT-MARIE-TOOTH DISEASE, NEURONAL, TYPE 2F; Charcot-Marie-Tooth Neuropathy Type 2F. Identifiers: Orphanet 99940, MedGen C1847823, MONDO:0011687, OMIM 606595.
Neuronopathy, distal hereditary motor, type 2B. Also called: HMN IIB; NEURONOPATHY, DISTAL HEREDITARY MOTOR, AUTOSOMAL DOMINANT 3; NEURONOPATHY, DISTAL HEREDITARY MOTOR, HARDING TYPE IIB; NEUROPATHY, DISTAL HEREDITARY MOTOR, HARDING TYPE IIB. Identifiers: Orphanet 139525, MedGen C2608087, MONDO:0012080, OMIM 608634.

Allele frequency attached by ClinVar (database versions not stated): 1000 Genomes Project 0.00040; 1000 Genomes Project 30x 0.00047; ESP Exome Variant Server 0.00106; gnomAD 0.00147 and 0.00153; TOPMed 0.00148; gnomAD exomes 0.00154; ExAC 0.00293.

Submissions (15):

CeGaT Center for Human Genetics Tuebingen
Classification: Likely benign. Last evaluated: 2026-09-01. Review status: criteria provided, single submitter. Criteria: CeGaT Center For Human Genetics Tuebingen Variant Classification Criteria Version 2. Collection method: clinical testing. Allele origin: germline. Affected: yes. Observed: 9 variant alleles.
Comment: HSPB1: BS1

Labcorp Genetics (formerly Invitae), Labcorp
Classification: Benign for Charcot-Marie-Tooth disease axonal type 2F. Last evaluated: 2026-02-01. Review status: criteria provided, single submitter. Criteria: Invitae Variant Classification Sherloc (09022015). Collection method: clinical testing. Allele origin: germline.

Athena Diagnostics
Classification: Benign. Last evaluated: 2025-02-28. Review status: criteria provided, single submitter. Criteria: Athena Diagnostics Criteria. Collection method: clinical testing. Allele origin: unknown.
Comment: The frequency of this variant in the general population is higher than would generally be expected for pathogenic variants in this gene.

ARUP Laboratories, Molecular Genetics and Genomics, ARUP Laboratories
Classification: Likely benign. Last evaluated: 2025-02-24. Review status: criteria provided, single submitter. Criteria: ARUP Molecular Germline Variant Investigation Process 2024. Collection method: clinical testing. Allele origin: germline.

Blueprint Genetics
Classification: Likely benign. Last evaluated: 2024-11-27. Review status: criteria provided, single submitter. Criteria: ACMG Guidelines, 2015. Collection method: clinical testing. Allele origin: germline.

Mayo Clinic Laboratories, Mayo Clinic
Classification: Benign. Last evaluated: 2024-11-05. Review status: criteria provided, single submitter. Criteria: ACMG Guidelines, 2015. Collection method: clinical testing. Allele origin: germline. Observed: 15 variant alleles.
Comment: BS1, BS2, BP4

Ambry Genetics
Classification: Likely benign for Inborn genetic diseases. Last evaluated: 2019-09-20. Review status: criteria provided, single submitter. Criteria: Ambry Variant Classification Scheme 2023. Collection method: clinical testing. Allele origin: germline.

GeneDx
Classification: Benign. Last evaluated: 2019-05-07. Review status: criteria provided, single submitter. Criteria: GeneDx Variant Classification Process June 2021. Collection method: clinical testing. Allele origin: germline. Affected: yes.

Illumina Laboratory Services, Illumina
Classification: Benign for Charcot-Marie-Tooth disease axonal type 2F. Last evaluated: 2017-05-22. Review status: criteria provided, single submitter. Criteria: ICSL Variant Classification Criteria 13 December 2019. Collection method: clinical testing. Allele origin: germline.
Comment: This variant was observed as part of a predisposition screen in an ostensibly healthy population. A literature search was performed for the gene, cDNA change, and amino acid change (where applicable). No publications were found based on this search. Allele frequency data from public databases was too high to be consistent with this variant causing disease. Therefore, this variant is classified as benign.

Illumina Laboratory Services, Illumina
Classification: Benign for Neuronopathy, distal hereditary motor, type 2B. Last evaluated: 2017-05-22. Review status: criteria provided, single submitter. Criteria: ICSL Variant Classification Criteria 13 December 2019. Collection method: clinical testing. Allele origin: germline.
Comment: the same text as in the submission from Illumina Laboratory Services, Illumina above.

Eurofins Ntd Llc (ga)
Classification: Benign. Last evaluated: 2016-06-16. Review status: criteria provided, single submitter. Criteria: EGL Classification Definitions 2015. Collection method: clinical testing. Allele origin: germline. Observed: 1 variant allele, 1 heterozygote.

Molecular Genetics Laboratory, London Health Sciences Centre
Classification: Likely benign for Charcot-Marie-Tooth disease. Review status: criteria provided, single submitter. Criteria: ACMG Guidelines, 2015. Collection method: clinical testing. Allele origin: germline. Affected: yes.

PreventionGenetics, part of Exact Sciences
Classification: Likely benign. Review status: criteria provided, single submitter. Criteria: ACMG Guidelines, 2015. Collection method: clinical testing. Allele origin: germline.

Clinical Genetics, Academic Medical Center
Classification: Likely benign. Review status: no assertion criteria provided. Collection method: clinical testing. Allele origin: germline. Affected: yes. Study: VKGL Data-share Consensus. Not counted in ClinVar's aggregate classification.

Genome Diagnostics Laboratory, University Medical Center Utrecht
Classification: Likely benign. Review status: no assertion criteria provided. Collection method: clinical testing. Allele origin: germline. Affected: yes. Study: VKGL Data-share Consensus. Not counted in ClinVar's aggregate classification.

Literature cited by the submitters: PubMed 29970176 (cited by Athena Diagnostics); PubMed 25614874 (cited by Athena Diagnostics).